The following is an entry in ClinVar:

NM_033380.3(COL4A5):c.2692A>G (p.Met898Val)

Gene: COL4A5 (collagen type IV alpha 5 chain; plus strand). Cytogenetic location: Xq22.3.
Variant type: single nucleotide variant.
Coding change: c.2692A>G on transcript NM_033380.3 (MANE Select); coding-DNA position 2692, A replaced by G.
Protein change: p.Met898Val; replaces methionine 898 with valine.
Molecular consequence: missense variant.
Genome position (GRCh38, 1-based): chrX:108,621,817, A>G. VCF-style: chrX-108621817-A-G. GRCh37 (hg19) VCF-style: chrX-107865047-A-G.
Other names: c.2692A>G, p.Met898Val (NM_000495.5); short protein forms M898V.
Identifiers: ClinVar variation 24554 (VCV000024554.51), dbSNP rs104886192, ClinGen allele CA258739.
Genomic context (GRCh38, chrX:108,621,817, plus strand): 5'-CCTAAGTCAAAGAAAGGCAAACATTACTTATTGATATTCTTCAAAGGTACCAAAGGTGAA[A>G]TGGGTATGATGGGACCTCCAGGCCCACCAGGACCTTTGGGAATTCCTGGCAGGAGTGGTG-3'
Protein context (NP_203699.1, residues 888-908): ASGFPGTKGE[Met898Val]GMMGPPGPPG

ClinVar aggregate classification (germline): Conflicting classifications of pathogenicity. Review status: criteria provided, conflicting classifications (1 of 4 stars). 12 submissions from 12 submitters: Pathogenic (1); Uncertain significance (1); Benign (4); Likely benign (2). 4 of the submissions do not count toward it. Last evaluated 2026-01-29.

Conditions:
COL4A5-related disorder. Also called: COL4A5-related condition.
Autosomal dominant Alport syndrome (ATS3A). Also called: Alport syndrome dominant type; Renal failure and sensorineural hearing loss; ALPORT SYNDROME 3A, AUTOSOMAL DOMINANT. Identifiers: Orphanet 63, Orphanet 88918, MedGen C5882663, MONDO:0007086, OMIM 104200.
X-linked Alport syndrome (ATS1). Also called: NEPHROPATHY AND DEAFNESS, X-LINKED; COL4A5-Related Nephropathy. Identifiers: Orphanet 63, Orphanet 88917, MedGen C4746986, MONDO:0010520, OMIM 301050.

Allele frequency attached by ClinVar (database versions not stated): ESP Exome Variant Server 0.00009; TOPMed 0.00015; gnomAD 0.00017 and 0.00020; gnomAD exomes 0.00022 and 0.00030; ExAC 0.00030.
gnomAD v4.1: 266 of 1,203,910 alleles (0.022%); highest among the groups gnomAD compares: South Asian, 0.089%; no homozygotes.

Submissions (13):

Labcorp Genetics (formerly Invitae), Labcorp
Classification: Benign. Last evaluated: 2026-01-29. Review status: criteria provided, single submitter. Criteria: Invitae Variant Classification Sherloc (09022015). Collection method: clinical testing. Allele origin: germline.

Blueprint Genetics
Classification: Benign. Last evaluated: 2024-10-11. Review status: criteria provided, single submitter. Criteria: ACMG Guidelines, 2015. Collection method: clinical testing. Allele origin: germline.

Women's Health and Genetics/Laboratory Corporation of America, LabCorp
Classification: Likely benign. Last evaluated: 2024-08-01. Review status: criteria provided, single submitter. Criteria: LabCorp Variant Classification Summary - May 2015. Collection method: clinical testing. Allele origin: germline.
Comment: Variant summary: COL4A5 c.2692A>G (p.Met898Val) results in a conservative amino acid change in the encoded protein sequence. Four of five in-silico tools predict a benign effect of the variant on protein function. The variant allele was found at a frequency of 0.00022 in 1203910 control chromosomes, including 85 hemizygotes (gnomAD v4.1.0). c.2692A>G has been reported in the literature in individuals with clinical features of Alport syndrome (e.g., Barker_2001, Connaughton_2019, Uliana_2021), however these report(s) do not provide unequivocal conclusions about association of the variant with Alport Syndrome 1, X-Linked Recessive. Co-occurrences with other pathogenic variant(s) have been reported (INF2 c.353T>A, p.Ile118Asn), providing supporting evidence for a benign role (Connaughton_2019). To our knowledge, no experimental evidence demonstrating an impact on protein function has been reported. The following publications have been ascertained in the context of this evaluation (PMID: 11223851, 30773290, 33369211). ClinVar contains an entry for this variant (Variation ID: 24554). Based on the evidence outlined above, the variant was classified as likely benign.

Laboratory of Prof. Karen Avraham, Tel Aviv University
Classification: Pathogenic for X-linked Alport syndrome. Last evaluated: 2024-05-01. Review status: criteria provided, single submitter. Criteria: ACMG Guidelines, 2015. Collection method: research. Allele origin: germline. Affected: yes. Observed: 1 variant allele.
Comment: Pathogenic by Deafness Variation Database based on PMID:30773290

XLD; high-tone HL, normal-profound

CeGaT Center for Human Genetics Tuebingen
Classification: Likely benign. Last evaluated: 2023-09-01. Review status: criteria provided, single submitter. Criteria: CeGaT Center For Human Genetics Tuebingen Variant Classification Criteria Version 2. Collection method: clinical testing. Allele origin: germline. Affected: yes. Observed: 1 variant allele.
Comment: COL4A5: BS2

CENTOGENE GmbH and LLC - Guiding Precision Medicine
Classification: Benign for X-linked Alport syndrome. Last evaluated: 2021-08-30. Review status: criteria provided, single submitter. Criteria: ACMG Guidelines, 2015. Collection method: clinical testing. Allele origin: maternal.

Genome-Nilou Lab
Classification: Uncertain significance for X-linked Alport syndrome. Last evaluated: 2021-05-18. Review status: criteria provided, single submitter. Criteria: ACMG Guidelines, 2015. Collection method: clinical testing. Allele origin: germline. Affected: no.

GeneDx
Classification: Benign. Last evaluated: 2020-10-21. Review status: criteria provided, single submitter. Criteria: GeneDx Variant Classification Process June 2021. Collection method: clinical testing. Allele origin: germline. Affected: yes.
Comment: This variant is associated with the following publications: (PMID: 30773290, 11223851, 25525159, 20378821)

Natera, Inc.
Classification: Likely benign for X-linked Alport syndrome. Last evaluated: 2020-01-15. Review status: no assertion criteria provided. Collection method: clinical testing. Allele origin: germline. Not counted in ClinVar's aggregate classification.

PreventionGenetics, part of Exact Sciences
Classification: Likely benign for COL4A5-related condition. Last evaluated: 2019-06-15. Review status: no assertion criteria provided. Collection method: clinical testing. Allele origin: germline. Not counted in ClinVar's aggregate classification.
Comment: This variant is classified as likely benign based on ACMG/AMP sequence variant interpretation guidelines (Richards et al. 2015 PMID: 25741868, with internal and published modifications).

Dr. Peter K. Rogan Lab, Western University
No classification provided (evidence only). Condition: Lung cancer. Review status: no classification provided. Collection method: in vitro. Allele origin: not applicable. Functional consequence: skipped exon, retained intron. Not counted in ClinVar's aggregate classification.

Medical Genetics, University of Parma
Classification: Pathogenic for X-linked Alport syndrome. Last evaluated: 2020-03-11. Review status: flagged submission. Criteria: ACMG Guidelines, 2015. Collection method: clinical testing. Allele origin: germline. Affected: yes. Not counted in ClinVar's aggregate classification.
ClinVar note: Reason: Outlier claim with insufficient supporting evidence

Yale Center for Mendelian Genomics, Yale University
Classification: Pathogenic for Autosomal dominant Alport syndrome. Last evaluated: 2019-02-14. Review status: flagged submission. Collection method: literature only. Allele origin: germline. Affected: yes. Observed: 1 hemizygote. Study: Yale Center for Mendelian Genomics. Not counted in ClinVar's aggregate classification.
ClinVar note: Reason: Outlier claim with insufficient supporting evidence

Literature cited by the submitters: PubMed 30773290 (cited by Women's Health and Genetics/Laboratory Corporation of America, LabCorp and Yale Center for Mendelian Genomics, Yale University); PubMed 11223851 (cited by Women's Health and Genetics/Laboratory Corporation of America, LabCorp); PubMed 33369211 (cited by Women's Health and Genetics/Laboratory Corporation of America, LabCorp).